The following is an entry in ClinVar:

NM_005911.6(MAT2A):c.566T>C (p.Met189Thr)

Genes: GGCX (gamma-glutamyl carboxylase; minus strand), MAT2A (methionine adenosyltransferase 2A; plus strand). Cytogenetic location: 2p11.2.
Variant type: single nucleotide variant.
Coding change: c.566T>C on transcript NM_005911.6 (MANE Select); coding-DNA position 566, T replaced by C.
Protein change: p.Met189Thr; replaces methionine 189 with threonine.
Molecular consequence: missense variant.
Genome position (GRCh38, 1-based): chr2:85,542,171, T>C. VCF-style: chr2-85542171-T-C. GRCh37 (hg19) VCF-style: chr2-85769294-T-C.
Other names: short protein forms M189T.
Identifiers: ClinVar variation 4104412 (VCV004104412.1).

ClinVar aggregate classification (germline): Uncertain significance (1 of 4 stars; one submission).

Conditions:
Cardiovascular phenotype. Identifiers: MedGen CN230736.

Submission:

Ambry Genetics
Classification: Uncertain significance for Cardiovascular phenotype. Last evaluated: 2025-07-03. Review status: criteria provided, single submitter. Criteria: Ambry Variant Classification Scheme 2023. Collection method: clinical testing. Allele origin: germline.
Comment: The p.M189T variant (also known as c.566T>C), located in coding exon 6 of the MAT2A gene, results from a T to C substitution at nucleotide position 566. The methionine at codon 189 is replaced by threonine, an amino acid with similar properties. This amino acid position is conserved. In addition, this alteration is predicted to be tolerated by in silico analysis. Based on the available evidence, the clinical significance of this variant remains unclear.